The following is an entry in ClinVar:

ClinVar aggregate classification (germline): Conflicting classifications of pathogenicity. Review status: criteria provided, conflicting classifications (1 of 4 stars). 5 submissions from 5 submitters: Likely pathogenic (2); Uncertain significance (3). Last evaluated 2025-06-30.

Conditions:
TECTA-related disorder. Also called: TECTA-related condition.
Sensorineural hearing loss disorder. Also called: Sensorineural hearing impairment; Sensorineural hearing loss; Sensorineural Deafness. Identifiers: MedGen C0018784, MeSH D006319, MONDO:0020678, HP:0000407.

Allele frequency attached by ClinVar (database versions not stated): gnomAD exomes 0.00005 and 0.00001; gnomAD 0.00001; TOPMed 0.00003.
gnomAD v4.1: 18 of 1,613,904 alleles (0.0011%); highest among the groups gnomAD compares: Admixed American, 0.028%; no homozygotes.

Submissions (5):

PreventionGenetics, part of Exact Sciences
Classification: Uncertain significance for TECTA-related condition. Last evaluated: 2025-06-30. Review status: criteria provided, single submitter. Criteria: ACMG Guidelines, 2015. Collection method: clinical testing. Allele origin: germline.
Comment: The TECTA c.3107G>A variant is predicted to result in the amino acid substitution p.Cys1036Tyr. This variant has been reported in the heterozygous state in 15 individuals with hearing loss from 12 families, with post-lingual to the fourth decade age of onset (Hildebrand et al 2011. PubMed ID: 21520338; Corriols-Noval et al. 2022. PubMed ID: 36190904; González-Aguado et al. 2025. PubMed ID: 39905815). This variant is reported in 0.038% of alleles in individuals of Latino descent in gnomAD. Although we suspect that this variant may be pathogenic, at this time, the clinical significance of this variant is uncertain due to the absence of conclusive functional and genetic evidence.

Labcorp Genetics (formerly Invitae), Labcorp
Classification: Uncertain significance. Last evaluated: 2025-02-02. Review status: criteria provided, single submitter. Criteria: Invitae Variant Classification Sherloc (09022015). Collection method: clinical testing. Allele origin: germline.
Comment: This sequence change replaces cysteine, which is neutral and slightly polar, with tyrosine, which is neutral and polar, at codon 1036 of the TECTA protein (p.Cys1036Tyr). This variant is present in population databases (rs772606235, gnomAD 0.04%). This missense change has been observed in individual(s) with nonsyndromic deafness (PMID: 21520338, 36190904). ClinVar contains an entry for this variant (Variation ID: 517663). Invitae Evidence Modeling of protein sequence and biophysical properties (such as structural, functional, and spatial information, amino acid conservation, physicochemical variation, residue mobility, and thermodynamic stability) indicates that this missense variant is expected to disrupt TECTA protein function with a positive predictive value of 95%. In summary, the available evidence is currently insufficient to determine the role of this variant in disease. Therefore, it has been classified as a Variant of Uncertain Significance.

GeneDx
Classification: Uncertain significance. Last evaluated: 2024-06-17. Review status: criteria provided, single submitter. Criteria: GeneDx Variant Classification Process June 2021. Collection method: clinical testing. Allele origin: germline. Affected: yes.
Comment: Identified in the heterozygous state in unrelated patients with nonsyndromic hearing loss in published literature (PMID: 21520338); In silico analysis supports that this missense variant has a deleterious effect on protein structure/function; This variant is associated with the following publications: (PMID: 27368438, 30006058, 31589614, 29986705, 21520338, 31554319, 9590290)

Blueprint Genetics
Classification: Likely pathogenic for TECTA-related disorders. Last evaluated: 2022-11-03. Review status: criteria provided, single submitter. Criteria: ACMG Guidelines, 2015. Collection method: clinical testing. Allele origin: germline. Affected: yes. Observed: 1 variant allele.

Area of Clinical and Molecular Genetics, Hospital Universitario Vall de Hebron
Classification: Likely pathogenic for Sensorineural hearing loss disorder. Last evaluated: 2018-03-21. Review status: criteria provided, single submitter. Criteria: ACMG Guidelines, 2015. Collection method: clinical testing. Allele origin: maternal, unknown. Inheritance: Autosomal dominant inheritance. Affected: yes. Observed: 2 variant alleles, 2 heterozygotes. Clinical features observed: Infantile sensorineural hearing impairment (HP:0008610), Adult onset sensorineural hearing impairment (HP:0008615).

Literature cited by the submitters: PubMed 21520338 (cited by Labcorp Genetics (formerly Invitae), Labcorp and Area of Clinical and Molecular Genetics, Hospital Universitario Vall de Hebron); PubMed 36190904 (cited by Labcorp Genetics (formerly Invitae), Labcorp).

NM_005422.4(TECTA):c.3107G>A (p.Cys1036Tyr)

Genes: TBCEL-TECTA (TBCEL-TECTA readthrough; plus strand), TECTA (tectorin alpha; plus strand). Cytogenetic location: 11q23.3.
Variant type: single nucleotide variant.
Coding change: c.3107G>A on transcript NM_005422.4 (MANE Select); coding-DNA position 3107, G replaced by A.
Protein change: p.Cys1036Tyr; replaces cysteine 1036 with tyrosine.
Molecular consequence: missense variant.
Genome position (GRCh38, 1-based): chr11:121,137,586, G>A. VCF-style: chr11-121137586-G-A. GRCh37 (hg19) VCF-style: chr11-121008295-G-A.
Other names: c.4064G>A, p.Cys1355Tyr (NM_001378761.1); short protein forms C1036Y, C1355Y.
Identifiers: ClinVar variation 517663 (VCV000517663.14), dbSNP rs772606235, ClinGen allele CA6327156.